The following is an entry in ClinVar:

NM_015932.6(POMP):c.67G>A (p.Gly23Arg)

Gene: POMP (proteasome maturation protein; plus strand). Cytogenetic location: 13q12.3.
Variant type: single nucleotide variant.
Coding change: c.67G>A on transcript NM_015932.6 (MANE Select); coding-DNA position 67, G replaced by A.
Protein change: p.Gly23Arg; replaces glycine 23 with arginine.
Molecular consequence: missense variant.
Genome position (GRCh38, 1-based): chr13:28,662,473, G>A. VCF-style: chr13-28662473-G-A. GRCh37 (hg19) VCF-style: chr13-29236610-G-A.
Other names: short protein forms G23R.
Identifiers: ClinVar variation 2871389 (VCV002871389.3), dbSNP rs2541633612, ClinGen allele CA387802184.

ClinVar aggregate classification (germline): Uncertain significance (1 of 4 stars; one submission).

Submission:

Labcorp Genetics (formerly Invitae), Labcorp
Classification: Uncertain significance. Last evaluated: 2023-05-24. Review status: criteria provided, single submitter. Criteria: Invitae Variant Classification Sherloc (09022015). Collection method: clinical testing. Allele origin: germline.
Comment: In summary, the available evidence is currently insufficient to determine the role of this variant in disease. Therefore, it has been classified as a Variant of Uncertain Significance. An algorithm developed to predict the effect of missense changes on protein structure and function (PolyPhen-2) suggests that this variant is likely to be tolerated. This variant has not been reported in the literature in individuals affected with POMP-related conditions. This variant is not present in population databases (gnomAD no frequency). This sequence change replaces glycine, which is neutral and non-polar, with arginine, which is basic and polar, at codon 23 of the POMP protein (p.Gly23Arg).